The following is an entry in ClinVar:

NM_001378609.3(OTOGL):c.2237A>T (p.Gln746Leu)

Gene: OTOGL (otogelin like; plus strand). Cytogenetic location: 12q21.31.
Variant type: single nucleotide variant.
Coding change: c.2237A>T on transcript NM_001378609.3 (MANE Select); coding-DNA position 2237, A replaced by T.
Protein change: p.Gln746Leu; replaces glutamine 746 with leucine.
Molecular consequence: missense variant.
Genome position (GRCh38, 1-based): chr12:80,266,463, A>T. VCF-style: chr12-80266463-A-T. GRCh37 (hg19) VCF-style: chr12-80660243-A-T.
Other names: c.2237A>T, p.Gln746Leu (NM_001368062.3, NM_001378610.3, NM_173591.7); short protein forms Q746L.
Identifiers: ClinVar variation 2662736 (VCV002662736.2), dbSNP rs750991078, ClinGen allele CA6700719.

ClinVar aggregate classification (germline): Uncertain significance. Review status: criteria provided, multiple submitters, no conflicts (2 of 4 stars). 2 submissions from 2 submitters: Uncertain significance (2). Last evaluated 2025-04-01.

Conditions:
Inborn genetic diseases. Identifiers: MedGen C0950123, MeSH D030342.

Allele frequency attached by ClinVar (database versions not stated): ExAC 0.00001; gnomAD 0.00001; gnomAD exomes 0.00001; TOPMed 0.00002.
gnomAD v4.1: 5 of 1,613,432 alleles (0.00031%); highest among the groups gnomAD compares: Admixed American, 0.0067%; no homozygotes.

Submissions (2):

Ambry Genetics
Classification: Uncertain significance for Inborn genetic diseases. Last evaluated: 2025-04-01. Review status: criteria provided, single submitter. Criteria: Ambry Variant Classification Scheme 2023. Collection method: clinical testing. Allele origin: germline.

GeneDx
Classification: Uncertain significance. Last evaluated: 2023-10-10. Review status: criteria provided, single submitter. Criteria: GeneDx Variant Classification Process June 2021. Collection method: clinical testing. Allele origin: germline. Affected: yes.
Comment: In silico analysis supports that this missense variant does not alter protein structure/function; Has not been previously published as pathogenic or benign to our knowledge